The following is an entry in ClinVar:

ClinVar aggregate classification (germline): Uncertain significance (1 of 4 stars; one submission).

Conditions:
Inborn genetic diseases. Identifiers: MedGen C0950123, MeSH D030342.

Submission:

Ambry Genetics
Classification: Uncertain significance for Inborn genetic diseases. Last evaluated: 2023-12-04. Review status: criteria provided, single submitter. Criteria: Ambry Variant Classification Scheme 2023. Collection method: clinical testing. Allele origin: germline.
Comment: The p.E13K variant (also known as c.37G>A), located in coding exon 1 of the LRRK2 gene, results from a G to A substitution at nucleotide position 37. The glutamic acid at codon 13 is replaced by lysine, an amino acid with similar properties. This amino acid position is conserved. In addition, the in silico prediction for this alteration is inconclusive. Since supporting evidence is limited at this time, the clinical significance of this alteration remains unclear.

NM_198578.4(LRRK2):c.37G>A (p.Glu13Lys)

Gene: LRRK2 (leucine rich repeat kinase 2; plus strand). Cytogenetic location: 12q12.
Variant type: single nucleotide variant.
Coding change: c.37G>A on transcript NM_198578.4 (MANE Select); coding-DNA position 37, G replaced by A.
Protein change: p.Glu13Lys; replaces glutamic acid 13 with lysine.
Molecular consequence: missense variant.
Genome position (GRCh38, 1-based): chr12:40,225,168, G>A. VCF-style: chr12-40225168-G-A. GRCh37 (hg19) VCF-style: chr12-40618970-G-A.
Other names: short protein forms E13K.
Identifiers: ClinVar variation 3229630 (VCV003229630.1), dbSNP rs2499329609, ClinGen allele CA384398319.